The following is an entry in ClinVar:

ClinVar aggregate classification (germline): Uncertain significance. Review status: criteria provided, multiple submitters, no conflicts (2 of 4 stars). 7 submissions from 7 submitters: Uncertain significance (6). 1 of the submissions does not count toward it. Last evaluated 2026-04-03.

Conditions:
TMEM127-related disorder. Also called: TMEM127-related condition.
Hereditary cancer-predisposing syndrome. Also called: Neoplastic Syndromes, Hereditary; Tumor predisposition; Hereditary Cancer Syndrome; Hereditary neoplastic syndrome. Identifiers: Orphanet 140162, MedGen C0027672, MeSH D009386, MONDO:0015356.
Hereditary pheochromocytoma and paraganglioma. Also called: Hereditary paragangliomas and pheochromocytomas; Hereditary pheochromocytoma-paraganglioma; Hereditary Paraganglioma-Pheochromocytoma Syndromes. Identifiers: Orphanet 29072, MedGen C4274332, MONDO:0017366.
Pheochromocytoma. Also called: MAX-Related Hereditary Paraganglioma-Pheochromocytoma Syndrome. Identifiers: Orphanet 29072, MedGen C0031511, MONDO:0008233, OMIM 171300, HP:0002666.

Allele frequency attached by ClinVar (database versions not stated): gnomAD 0.00006; TOPMed 0.00006.
gnomAD v4.1: 41 of 1,614,114 alleles (0.0025%); highest among the groups gnomAD compares: African/African-American, 0.0067%; no homozygotes.

Submissions (7):

PreventionGenetics, part of Exact Sciences
Classification: Uncertain significance for TMEM127-related condition. Last evaluated: 2026-04-03. Review status: criteria provided, single submitter. Criteria: ACMG Guidelines, 2015. Collection method: clinical testing. Allele origin: germline.
Comment: The TMEM127 c.280C>T variant is predicted to result in the amino acid substitution p.Arg94Trp. This variant was reported in an individuals with pheochromocytoma and/or paraganglioma with functional studies showing this variant impacts TMEM127 function (Yao et al. 2010. PubMed ID: 21156949; Yonamine et al. 2021. PubMed ID: 34439168). This variant is reported in 0.0050% of alleles in individuals of East Asian descent in gnomAD. This variant is interpreted as uncertain in ClinVar (Variation ID: 126967). At this time, the clinical significance of this variant is uncertain due to the absence of conclusive functional and genetic evidence.

Labcorp Genetics (formerly Invitae), Labcorp
Classification: Uncertain significance for Hereditary pheochromocytoma and paraganglioma. Last evaluated: 2026-02-03. Review status: criteria provided, single submitter. Criteria: Invitae Variant Classification Sherloc (09022015). Collection method: clinical testing. Allele origin: germline.
Comment: This sequence change replaces arginine, which is basic and polar, with tryptophan, which is neutral and slightly polar, at codon 94 of the TMEM127 protein (p.Arg94Trp). This variant is present in population databases (rs121908824, gnomAD 0.005%). This missense change has been observed in individual(s) with pheochromocytoma (PMID: 21156949). ClinVar contains an entry for this variant (Variation ID: 126967). An algorithm developed to predict the effect of missense changes on protein structure and function (PolyPhen-2) suggests that this variant is likely to be disruptive. Experimental studies have shown that this missense change affects TMEM127 function (PMID: 21156949). RNA analysis performed to evaluate the impact of this missense change on mRNA splicing indicates it does not significantly alter splicing (internal data). In summary, the available evidence is currently insufficient to determine the role of this variant in disease. Therefore, it has been classified as a Variant of Uncertain Significance.

Ambry Genetics
Classification: Uncertain significance for Hereditary cancer-predisposing syndrome. Last evaluated: 2025-09-25. Review status: criteria provided, single submitter. Criteria: Ambry Variant Classification Scheme 2023. Collection method: clinical testing. Allele origin: germline.
Comment: The p.R94W variant (also known as c.280C>T), located in coding exon 2 of the TMEM127 gene, results from a C to T substitution at nucleotide position 280. The arginine at codon 94 is replaced by tryptophan, an amino acid with dissimilar properties. This alteration has been identified in individuals with paragangliomas and/or pheochromocytomas (Yao L, et al. JAMA 2010 Dec; 304(23):2611-9; Yonamine M et al. Cancers (Basel), 2021 Aug;13:). A subcellular localization assay performed by Yao, et al. demonstrated aberrant distribution of the mutant protein in the cytoplasm rather than the plasma membrane as observed in wild type protein. This amino acid position is highly conserved in available vertebrate species. In addition, this alteration is predicted to be deleterious by in silico analysis. Since supporting evidence is limited at this time, the clinical significance of this alteration remains unclear.

Baylor Genetics
Classification: Uncertain significance for Pheochromocytoma. Last evaluated: 2024-03-13. Review status: criteria provided, single submitter. Criteria: ACMG Guidelines, 2015. Collection method: clinical testing. Allele origin: unknown.

GeneDx
Classification: Uncertain significance. Last evaluated: 2022-12-22. Review status: criteria provided, single submitter. Criteria: GeneDx Variant Classification Process June 2021. Collection method: clinical testing. Allele origin: germline. Affected: yes.
Comment: In silico analysis supports that this missense variant has a deleterious effect on protein structure/function; Published functional studies demonstrate protein mislocalization (Yao et al., 2010); This variant is associated with the following publications: (PMID: 21156949, 33051659, 34439168)

Sema4
Classification: Uncertain significance for Hereditary cancer-predisposing syndrome. Last evaluated: 2021-07-06. Review status: criteria provided, single submitter. Criteria: Sema4 Curation Guidelines. Collection method: curation. Allele origin: germline.
Comment: The TMEM127 c.280C>T (p.R94W) variant has been reported in heterozygosity in at least one individual with a pheochromocytoma (PMID: 21156949). Functional studies have shown that this variant alters the cytoplasmic distribution of the protein (PMID: 21156949). This variant was observed in 6/282758 chromosomes in the Genome Aggregation Database (PMID: 32461654). This variant has been reported in ClinVar (Variation ID: 126967). In silico tools suggest the impact of the variant on protein function is deleterious, though these predictions have not been confirmed by functional studies. The evidence is insufficient to meet ACMG/AMP criteria for classifying the variant as benign or pathogenic. Thus, the clinical significance of this variant is currently uncertain.

Familial Cancer Clinic, Veneto Institute of Oncology
Classification: Likely pathogenic for Pheochromocytoma. Review status: no assertion criteria provided. Collection method: not provided. Allele origin: germline. Not counted in ClinVar's aggregate classification.
ClinVar note: Converted during submission from likely pathogenic - adrenal pheochromocytoma to Likely pathogenic.

Literature cited by the submitters: PubMed 21156949 (cited by 3 submitters); PubMed 34439168 (cited by Ambry Genetics).

NM_017849.4(TMEM127):c.280C>T (p.Arg94Trp)

Gene: TMEM127 (transmembrane protein 127; minus strand). Cytogenetic location: 2q11.2.
Variant type: single nucleotide variant.
Coding change: c.280C>T on transcript NM_017849.4 (MANE Select); coding-DNA position 280, C replaced by T.
Protein change: p.Arg94Trp; replaces arginine 94 with tryptophan.
Molecular consequence: missense variant.
Genome position (GRCh38, 1-based): chr2:96,254,962, G>A on the plus strand (C>T on the coding strand, the complement: TMEM127 is on the minus strand). VCF-style: chr2-96254962-G-A. GRCh37 (hg19) VCF-style: chr2-96920700-G-A.
Other names: c.280C>T, p.Arg94Trp (NM_001193304.3); short protein forms R94W.
Identifiers: ClinVar variation 126967 (VCV000126967.21), dbSNP rs121908824, ClinGen allele CA269747.
Genomic context (GRCh38, chr2:96,254,962, plus strand): 5'-CCAGAAGGAAAGCGGAGAGACTACACAGGATGCCCAGGAAACAGAAGGCGGCGATGACCC[G>A]CAGGAGCAGCACTGTCTGGGGATTCATGCAGAAATCTGTAGAGGGAGAACCAAATTTTCA-3'
Protein context (NP_060319.1, residues 84-104): CMNPQTVLLL[Arg94Trp]VIAAFCFLGI